The following is an entry in ClinVar:

NM_000744.7(CHRNA4):c.1082C>T (p.Pro361Leu)

Gene: CHRNA4 (cholinergic receptor nicotinic alpha 4 subunit; minus strand). Cytogenetic location: 20q13.33.
Variant type: single nucleotide variant.
Coding change: c.1082C>T on transcript NM_000744.7 (MANE Select); coding-DNA position 1082, C replaced by T.
Protein change: p.Pro361Leu; replaces proline 361 with leucine.
Molecular consequence: missense variant. On other transcripts: non-coding transcript variant (1).
Genome position (GRCh38, 1-based): chr20:63,350,329, G>A on the plus strand (C>T on the coding strand, the complement: CHRNA4 is on the minus strand). VCF-style: chr20-63350329-G-A. GRCh37 (hg19) VCF-style: chr20-61981681-G-A.
Other names: c.554C>T, p.Pro185Leu (NM_001256573.2); short protein forms P361L, P185L.
Identifiers: ClinVar variation 81764 (VCV000081764.39), dbSNP rs267606048, ClinGen allele CA317435272.
Genomic context (GRCh38, chr20:63,350,329, plus strand): 5'-GCACTGGCCATCTTATGCATGGACTCGATGAGCCGCCGGCAATTGTCCTTGACCACGGAC[G>A]GCCGCTTCATGAGGAGCAGGCGTGGCACGATGTCCAGGAAGACCCTGCGTACCCAGGTGG-3'
Protein context (NP_000735.1, residues 351-371): IVPRLLLMKR[Pro361Leu]SVVKDNCRRL

ClinVar aggregate classification (germline): Uncertain significance. Review status: criteria provided, multiple submitters, no conflicts (2 of 4 stars). 4 submissions from 4 submitters: Uncertain significance (4). Last evaluated 2024-07-01.

Conditions:
Familial sleep-related hypermotor epilepsy. Also called: Autosomal Dominant Sleep-Related Hypermotor (Hyperkinetic) Epilepsy. Identifiers: Orphanet 98784, MedGen C3696898, MONDO:0000030.
Inborn genetic diseases. Identifiers: MedGen C0950123, MeSH D030342.

Allele frequency attached by ClinVar (database versions not stated): gnomAD exomes below 0.00001 and 0.00001; gnomAD 0.00002; TOPMed 0.00003.
gnomAD v4.1: 8 of 1,613,262 alleles (0.0005%); highest among the groups gnomAD compares: Admixed American, 0.005%; no homozygotes.

Submissions (4):

Labcorp Genetics (formerly Invitae), Labcorp
Classification: Uncertain significance. Last evaluated: 2024-07-01. Review status: criteria provided, single submitter. Criteria: Invitae Variant Classification Sherloc (09022015). Collection method: clinical testing. Allele origin: germline.
Comment: This sequence change replaces proline, which is neutral and non-polar, with leucine, which is neutral and non-polar, at codon 361 of the CHRNA4 protein (p.Pro361Leu). This variant is present in population databases (rs267606048, gnomAD 0.005%). This variant has not been reported in the literature in individuals affected with CHRNA4-related conditions. ClinVar contains an entry for this variant (Variation ID: 81764). Advanced modeling of protein sequence and biophysical properties (such as structural, functional, and spatial information, amino acid conservation, physicochemical variation, residue mobility, and thermodynamic stability) has been performed at Invitae for this missense variant, however the output from this modeling did not meet the statistical confidence thresholds required to predict the impact of this variant on CHRNA4 protein function. In summary, the available evidence is currently insufficient to determine the role of this variant in disease. Therefore, it has been classified as a Variant of Uncertain Significance.

Ambry Genetics
Classification: Uncertain significance for Inborn genetic diseases. Last evaluated: 2024-06-26. Review status: criteria provided, single submitter. Criteria: Ambry Variant Classification Scheme 2023. Collection method: clinical testing. Allele origin: germline.

CeGaT Center for Human Genetics Tuebingen
Classification: Uncertain significance. Last evaluated: 2023-01-01. Review status: criteria provided, single submitter. Criteria: CeGaT Center For Human Genetics Tuebingen Variant Classification Criteria Version 2. Collection method: clinical testing. Allele origin: germline. Affected: yes. Observed: 1 variant allele.

Blueprint Genetics
Classification: Uncertain significance. Last evaluated: 2022-09-07. Review status: criteria provided, single submitter. Criteria: ACMG Guidelines, 2015. Collection method: clinical testing. Allele origin: germline.